The following is an entry in ClinVar:

ClinVar aggregate classification (germline): Uncertain significance (1 of 4 stars; one submission).

Conditions:
Methylcobalamin deficiency type cblE (HMAE). Also called: HOMOCYSTINURIA-MEGALOBLASTIC ANEMIA, cblE TYPE; VITAMIN B12-RESPONSIVE HOMOCYSTINURIA, cblE TYPE; HOMOCYSTINURIA-MEGALOBLASTIC ANEMIA, cblE COMPLEMENTATION TYPE. Identifiers: Orphanet 2169, Orphanet 622, MedGen C1856057, MONDO:0009354, OMIM 236270.

Allele frequency attached by ClinVar (database versions not stated): gnomAD exomes below 0.00001.
gnomAD v4.1: 1 of 1,614,228 alleles (0.000062%); highest among the groups gnomAD compares: Admixed American, 0.0017%; no homozygotes.

Submission:

Labcorp Genetics (formerly Invitae), Labcorp
Classification: Uncertain significance for Methylcobalamin deficiency type cblE. Last evaluated: 2022-04-19. Review status: criteria provided, single submitter. Criteria: Invitae Variant Classification Sherloc (09022015). Collection method: clinical testing. Allele origin: germline.
Comment: In summary, the available evidence is currently insufficient to determine the role of this variant in disease. Therefore, it has been classified as a Variant of Uncertain Significance. This sequence change replaces lysine, which is basic and polar, with arginine, which is basic and polar, at codon 486 of the MTRR protein (p.Lys486Arg). This variant is not present in population databases (gnomAD no frequency). This variant has not been reported in the literature in individuals affected with MTRR-related conditions. Algorithms developed to predict the effect of missense changes on protein structure and function output the following: SIFT: "Tolerated"; PolyPhen-2: "Benign"; Align-GVGD: "Class C0". The arginine amino acid residue is found in multiple mammalian species, which suggests that this missense change does not adversely affect protein function.

NM_002454.3(MTRR):c.1457A>G (p.Lys486Arg)

Gene: MTRR (5-methyltetrahydrofolate-homocysteine methyltransferase reductase; plus strand). Cytogenetic location: 5p15.31.
Variant type: single nucleotide variant.
Coding change: c.1457A>G on transcript NM_002454.3 (MANE Select); coding-DNA position 1457, A replaced by G.
Protein change: p.Lys486Arg; replaces lysine 486 with arginine.
Molecular consequence: missense variant. On other transcripts: non-coding transcript variant (14).
Genome position (GRCh38, 1-based): chr5:7,892,813, A>G. VCF-style: chr5-7892813-A-G. GRCh37 (hg19) VCF-style: chr5-7892926-A-G.
Other names: c.1457A>G, p.Lys486Arg (NM_001364440.2, NM_001364441.2, NM_001364442.2 and 1 more transcripts); short protein forms K486R.
Identifiers: ClinVar variation 2102677 (VCV002102677.4), dbSNP rs2479102063, ClinGen allele CA359158961.